The following is an entry in ClinVar:

NM_002667.5(PLN):c.37dup (p.Arg13fs)

Genes: CEP85L (centrosomal protein 85 like; minus strand), PLN (phospholamban; plus strand). Cytogenetic location: 6q22.31.
Variant type: Duplication.
Coding change: c.37dup on transcript NM_002667.5 (MANE Select); coding-DNA position 37, one base duplicated (A; older notation c.37dupA).
Protein change: p.Arg13fs; shifts the reading frame from arginine 13.
Molecular consequence: frameshift variant. On other transcripts: intron variant (3).
Genome position (GRCh38, 1-based): chr6:118,558,958, A duplicated; the last of 2 consecutive A bases (chr6:118,558,957-118,558,958); duplicating either gives the same sequence. VCF-style (leftmost placement, unchanged base first): chr6-118558956-T-TA. GRCh37 (hg19) VCF-style: chr6-118880119-T-TA.
Other names: NM_002667.3:c.37dupA; p.Arg13LysfsX7; c.1029+6572dup (NM_001178035.2); c.1020+6572dup (NM_001042475.3, NM_206921.3); short protein forms R13fs.
Identifiers: ClinVar variation 164972 (VCV000164972.5), dbSNP rs727503375, ClinGen allele CA177646.

ClinVar aggregate classification (germline): Uncertain significance (1 of 4 stars; one submission).

Submission:

Laboratory for Molecular Medicine, Mass General Brigham Personalized Medicine
Classification: Uncertain significance. Last evaluated: 2011-02-24. Review status: criteria provided, single submitter. Criteria: LMM Criteria. Collection method: clinical testing. Allele origin: germline. Observed: 4 variant alleles.
Comment: proposed classification - variant undergoing re-assessment, contact laboratory

Literature cited by the submitters: PubMed 12639993; PubMed 18415121.